The following is an entry in ClinVar:

NM_005359.6(SMAD4):c.787+2T>C

Gene: SMAD4 (SMAD family member 4; plus strand). Cytogenetic location: 18q21.2.
Variant type: single nucleotide variant.
Coding change: c.787+2T>C on transcript NM_005359.6 (MANE Select); the canonical splice donor site of the intron after coding-DNA position 787, T replaced by C.
Molecular consequence: splice donor variant.
Genome position (GRCh38, 1-based): chr18:51,058,246, T>C. VCF-style: chr18-51058246-T-C. GRCh37 (hg19) VCF-style: chr18-48584616-T-C.
Other names: c.787+2T>C (NM_001407042.1, NM_001407041.1, NM_001407043.1).
Identifiers: ClinVar variation 851605 (VCV000851605.11), dbSNP rs1909895611, ClinGen allele CA402463219.

ClinVar aggregate classification (germline): Likely pathogenic. Review status: criteria provided, multiple submitters, no conflicts (2 of 4 stars). 3 submissions from 3 submitters: Likely pathogenic (3). Last evaluated 2024-02-27.

Conditions:
Familial thoracic aortic aneurysm and aortic dissection (TAAD). Also called: Thoracic aortic aneurysms and dissections. Identifiers: Orphanet 91387, MedGen C4707243, MONDO:0019625.
Hereditary cancer-predisposing syndrome. Also called: Neoplastic Syndromes, Hereditary; Hereditary Cancer Syndrome; Hereditary neoplastic syndrome; Tumor predisposition. Identifiers: Orphanet 140162, MedGen C0027672, MeSH D009386, MONDO:0015356.
Generalized juvenile polyposis/juvenile polyposis coli. Also called: Juvenile polyposis coli. Identifiers: Orphanet 329971, MedGen C1868081, MONDO:0008276.
Juvenile polyposis syndrome (JPS). Identifiers: Orphanet 2929, MedGen C0345893, MONDO:0017380, OMIM 174900.

Submissions (3):

Ambry Genetics
Classification: Likely pathogenic for Hereditary cancer-predisposing syndrome; Familial thoracic aortic aneurysm and aortic dissection. Last evaluated: 2024-02-27. Review status: criteria provided, single submitter. Criteria: Ambry Variant Classification Scheme 2023. Collection method: clinical testing. Allele origin: germline.
Comment: The c.787+2T>C intronic variant results from a T to C substitution two nucleotides after coding exon 5 in the SMAD4 gene. This variant is considered to be rare based on population cohorts in the Genome Aggregation Database (gnomAD). This nucleotide position is highly conserved in available vertebrate species. In silico splice site analysis predicts that this alteration will weaken the native splice donor site and will result in the creation or strengthening of a novel splice donor site. RNA studies have demonstrated that this alteration results in abnormal splicing in the set of samples tested (Ambry internal data). Alterations that disrupt the canonical splice site are expected to cause aberrant splicing, resulting in an abnormal protein or a transcript that is subject to nonsense-mediated mRNA decay. As such, this alteration is classified as likely pathogenic.

Labcorp Genetics (formerly Invitae), Labcorp
Classification: Likely pathogenic for Juvenile polyposis syndrome. Last evaluated: 2022-03-06. Review status: criteria provided, single submitter. Criteria: Invitae Variant Classification Sherloc (09022015). Collection method: clinical testing. Allele origin: germline.
Comment: This sequence change affects a donor splice site in intron 6 of the SMAD4 gene. RNA analysis indicates that disruption of this splice site induces altered splicing and likely results in a shortened protein product. This variant is not present in population databases (gnomAD no frequency). This variant has not been reported in the literature in individuals affected with SMAD4-related conditions. ClinVar contains an entry for this variant (Variation ID: 851605). Studies have shown that disruption of this splice site results in skipping of exon 6, but is expected to preserve the integrity of the reading-frame (Invitae). In summary, the currently available evidence indicates that the variant is pathogenic, but additional data are needed to prove that conclusively. Therefore, this variant has been classified as Likely Pathogenic.

Women's Health and Genetics/Laboratory Corporation of America, LabCorp
Classification: Likely pathogenic for Juvenile polyposis syndrome. Last evaluated: 2019-03-26. Review status: criteria provided, single submitter. Criteria: LabCorp Variant Classification Summary - May 2015. Collection method: clinical testing. Allele origin: germline.
Comment: Variant summary: SMAD4 c.787+2T>C is located in a canonical splice-site and is predicted to affect mRNA splicing resulting in a significantly altered protein due to either exon skipping, shortening, or inclusion of intronic material. Several computational tools predict a significant impact on normal splicing: Three predict the variant abolishes a 5' splicing donor site. However, these predictions have yet to be confirmed by functional studies. The variant was absent in 277066 control chromosomes (gnomAD). To our knowledge, no occurrence of c.787+2T>C in individuals affected with Juvenile Polyposis Syndrome and no experimental evidence demonstrating its impact on protein function have been reported. No clinical diagnostic laboratories have submitted clinical-significance assessments for this variant to ClinVar after 2014. Based on the evidence outlined above, the variant was classified as likely pathogenic.